The following is an entry in ClinVar:

ClinVar aggregate classification (germline): Uncertain significance (1 of 4 stars; one submission).

Conditions:
Cardiovascular phenotype. Identifiers: MedGen CN230736.

Submission:

Ambry Genetics
Classification: Uncertain significance for Cardiovascular phenotype. Last evaluated: 2019-03-01. Review status: criteria provided, single submitter. Criteria: Ambry Variant Classification Scheme 2023. Collection method: clinical testing. Allele origin: germline.
Comment: The p.V17925A variant (also known as c.53774T>C), located in coding exon 153 of the TTN gene, results from a T to C substitution at nucleotide position 53774. The valine at codon 17925 is replaced by alanine, an amino acid with similar properties. This amino acid position is highly conserved in available vertebrate species. In addition, this alteration is predicted to be tolerated by in silico analysis. Since supporting evidence is limited at this time, the clinical significance of this alteration remains unclear.

NM_001267550.2(TTN):c.80969T>C (p.Val26990Ala)

Genes: TTN (titin; minus strand), TTN-AS1 (TTN antisense RNA 1; plus strand). Cytogenetic location: 2q31.2.
Variant type: single nucleotide variant.
Coding change: c.80969T>C on transcript NM_001267550.2 (MANE Select); coding-DNA position 80969, T replaced by C.
Protein change: p.Val26990Ala; replaces valine 26990 with alanine.
Molecular consequence: missense variant.
Genome position (GRCh38, 1-based): chr2:178,565,163, A>G on the plus strand (T>C on the coding strand, the complement: TTN is on the minus strand). VCF-style: chr2-178565163-A-G. GRCh37 (hg19) VCF-style: chr2-179429890-A-G.
Other names: c.76046T>C, p.Val25349Ala (NM_001256850.1); c.53774T>C, p.Val17925Ala (NM_003319.4); c.73265T>C, p.Val24422Ala (NM_133378.4); c.54149T>C, p.Val18050Ala (NM_133432.3); c.54350T>C, p.Val18117Ala (NM_133437.4); short protein forms V18050A, V18117A, V26990A, V25349A, V17925A, V24422A.
Identifiers: ClinVar variation 1747129 (VCV001747129.2), dbSNP rs2468235462, ClinGen allele CA349584766.